The following is an entry in ClinVar:

NM_001089.3(ABCA3):c.1136G>A (p.Gly379Asp)

Gene: ABCA3 (ATP binding cassette subfamily A member 3; minus strand). Cytogenetic location: 16p13.3.
Variant type: single nucleotide variant.
Coding change: c.1136G>A on transcript NM_001089.3 (MANE Select); coding-DNA position 1136, G replaced by A.
Protein change: p.Gly379Asp; replaces glycine 379 with aspartic acid.
Molecular consequence: missense variant.
Genome position (GRCh38, 1-based): chr16:2,308,599, C>T on the plus strand (G>A on the coding strand, the complement: ABCA3 is on the minus strand). VCF-style: chr16-2308599-C-T. GRCh37 (hg19) VCF-style: chr16-2358600-C-T.
Other names: short protein forms G379D.
Identifiers: ClinVar variation 978705 (VCV000978705.3), dbSNP rs2093701667, ClinGen allele CA394340142.

ClinVar aggregate classification (germline): Uncertain significance (1 of 4 stars; one submission).

Conditions:
Interstitial lung disease due to ABCA3 deficiency. Also called: PULMONARY ALVEOLAR PROTEINOSIS, CONGENITAL, 3. Identifiers: Orphanet 440402, MedGen C1970456, MONDO:0012582, OMIM 610921.

Submission:

Foundation for Research in Genetics and Endocrinology, FRIGE's Institute of Human Genetics
Classification: Uncertain significance for Interstitial lung disease due to ABCA3 deficiency. Last evaluated: 2020-06-01. Review status: criteria provided, single submitter. Criteria: ACMG Guidelines, 2015. Collection method: clinical testing. Allele origin: germline. Inheritance: Autosomal recessive inheritance. Affected: yes. Observed: 1 homozygote.
Comment: A homozygous missense variation in exon 11 of the ABCA3 gene that results in the amino acid substitution of Aspartic acid for Glycine at codon 379 was detected. The observed variant c.1136G>A (p.Gly379Asp) has not been reported in the 1000 genomes and ExAC databases. The variant lies in the ABC-2 transporter domain of the protein. The in silico predictions of the variant are possibly damaging by PolyPhen-2 (HumDiv) and damaging by SIFT and MutationTaster2. The reference codon is conserved across mammals. In summary, the variant meets our criteria to be classified as variant of uncertain significance.